The following is an entry in ClinVar:

ClinVar aggregate classification (germline): Likely benign (1 of 4 stars; one submission).

gnomAD v4.1: 177 of 1,432,334 alleles (0.012%); highest among the groups gnomAD compares: East Asian, 0.31%; 1 homozygote.

Submission:

CeGaT Center for Human Genetics Tuebingen
Classification: Likely benign. Last evaluated: 2025-06-01. Review status: criteria provided, single submitter. Criteria: CeGaT Center For Human Genetics Tuebingen Variant Classification Criteria Version 2. Collection method: clinical testing. Allele origin: germline. Affected: yes. Observed: 1 variant allele.
Comment: FOXP1: BP4, BS2

NM_001349338.3(FOXP1):c.1652+539C>T

Gene: FOXP1 (forkhead box P1; minus strand). Cytogenetic location: 3p13.
Variant type: single nucleotide variant.
Coding change: c.1652+539C>T on transcript NM_001349338.3 (MANE Select); 539 bases into the intron after coding-DNA position 1652, C replaced by T.
Molecular consequence: intron variant. On other transcripts: synonymous variant (1).
Genome position (GRCh38, 1-based): chr3:70,972,016, G>A on the plus strand (C>T on the coding strand, the complement: FOXP1 is on the minus strand). VCF-style: chr3-70972016-G-A. GRCh37 (hg19) VCF-style: chr3-71021167-G-A.
Other names: c.1695C>T, p.Val565= (NM_001244810.2); c.1652+539C>T (NM_032682.6, NM_001349340.3, NM_001244816.2 and 1 more transcripts); c.1649+539C>T (NM_001349341.3, NM_001244808.3); c.1424+539C>T (NM_001244812.3); c.1349+539C>T (NM_001349343.3, NM_001349337.2, NM_001370548.1 and 1 more transcripts); c.1352+539C>T (NM_001349342.3, NM_001244815.2, NM_001244813.3).
Identifiers: ClinVar variation 4084450 (VCV004084450.8).